The following is an entry in ClinVar:

ClinVar aggregate classification (germline): Uncertain significance (1 of 4 stars; one submission).

gnomAD v4.1: 58 of 1,613,942 alleles (0.0036%); highest among the groups gnomAD compares: South Asian, 0.032%; 2 homozygotes.

Submission:

Labcorp Genetics (formerly Invitae), Labcorp
Classification: Uncertain significance. Last evaluated: 2025-04-24. Review status: criteria provided, single submitter. Criteria: Invitae Variant Classification Sherloc (09022015). Collection method: clinical testing. Allele origin: germline.
Comment: This sequence change affects codon 361 of the NYNRIN mRNA. It is a 'silent' change, meaning that it does not change the encoded amino acid sequence of the NYNRIN protein. This variant is present in population databases (rs377260028, gnomAD 0.02%). This variant has not been reported in the literature in individuals affected with NYNRIN-related conditions. Experimental studies and prediction algorithms are not available or were not evaluated, and the effect of this variant on mRNA splicing is currently unknown. In summary, the available evidence is currently insufficient to determine the role of this variant in disease. Therefore, it has been classified as a Variant of Uncertain Significance.

NM_025081.3(NYNRIN):c.1083G>A (p.Pro361=)

Gene: NYNRIN (NYN domain and retroviral integrase containing; plus strand). Cytogenetic location: 14q12.
Variant type: single nucleotide variant.
Coding change: c.1083G>A on transcript NM_025081.3 (MANE Select); coding-DNA position 1083, G replaced by A.
Protein change: p.Pro361=; no amino-acid change (proline 361 retained).
Molecular consequence: synonymous variant.
Genome position (GRCh38, 1-based): chr14:24,408,877, G>A. VCF-style: chr14-24408877-G-A. GRCh37 (hg19) VCF-style: chr14-24878083-G-A.
Identifiers: ClinVar variation 4708842 (VCV004708842.1).